The following is an entry in ClinVar:

NM_173689.7(CRB2):c.3826C>T (p.Leu1276Phe)

Gene: CRB2 (crumbs cell polarity complex component 2; plus strand). Cytogenetic location: 9q33.3.
Variant type: single nucleotide variant.
Coding change: c.3826C>T on transcript NM_173689.7 (MANE Select); coding-DNA position 3826, C replaced by T.
Protein change: p.Leu1276Phe; replaces leucine 1276 with phenylalanine.
Molecular consequence: missense variant. On other transcripts: non-coding transcript variant (1).
Genome position (GRCh38, 1-based): chr9:123,377,030, C>T. VCF-style: chr9-123377030-C-T. GRCh37 (hg19) VCF-style: chr9-126139309-C-T.
Other names: c.3826C>T (NM_173689.6); short protein forms L1276F.
Identifiers: ClinVar variation 1596832 (VCV001596832.10), dbSNP rs529201914, ClinGen allele CA5232619.
Genomic context (GRCh38, chr9:123,377,030, plus strand): 5'-GGCACCTACAGCCCAAGCCAGCAGGAGGTGGCTGGGGCCCGGCTGGAGATGGACAGTGTC[C>T]TCAAGGTGCCACCGGAGGAGAGACTCATCTAGGCCAGCCTGGCTGCTGGCACCAGCACCT-3'
Protein context (NP_775960.4, residues 1266-1285): AGARLEMDSV[Leu1276Phe]KVPPEERLI

ClinVar aggregate classification (germline): Conflicting classifications of pathogenicity. Review status: criteria provided, conflicting classifications (1 of 4 stars). 3 submissions from 3 submitters: Uncertain significance (1); Likely benign (2). Last evaluated 2026-09-20.

Conditions:
CRB2-related disorder. Also called: CRB2-related disorders; CRB2-related condition.

Allele frequency attached by ClinVar (database versions not stated): TOPMed 0.00002; gnomAD 0.00007; gnomAD exomes 0.00015 and 0.00031; 1000 Genomes Project 0.00020; 1000 Genomes Project 30x 0.00047; ExAC 0.00050.
gnomAD v4.1: 227 of 1,600,276 alleles (0.014%); highest among the groups gnomAD compares: South Asian, 0.24%; 3 homozygotes.

Submissions (3):

PreventionGenetics, part of Exact Sciences
Classification: Likely benign for CRB2-related condition. Last evaluated: 2026-09-20. Review status: criteria provided, single submitter. Criteria: ACMG Guidelines, 2015. Collection method: clinical testing. Allele origin: germline.
Comment: This variant is classified as likely benign based on ACMG/AMP sequence variant interpretation guidelines (Richards et al. 2015 PMID: 25741868, with internal and published modifications).

GeneDx
Classification: Uncertain significance. Last evaluated: 2024-08-29. Review status: criteria provided, single submitter. Criteria: GeneDx Variant Classification Process June 2021. Collection method: clinical testing. Allele origin: germline. Affected: yes.
Comment: In silico analysis supports that this missense variant has a deleterious effect on protein structure/function; Has not been previously published as pathogenic or benign to our knowledge

Labcorp Genetics (formerly Invitae), Labcorp
Classification: Likely benign. Last evaluated: 2023-06-28. Review status: criteria provided, single submitter. Criteria: Invitae Variant Classification Sherloc (09022015). Collection method: clinical testing. Allele origin: germline.